The following is an entry in ClinVar:

ClinVar aggregate classification (germline): Likely pathogenic (1 of 4 stars; one submission).

Conditions:
Ataxia-telangiectasia syndrome (AT). Also called: Ataxia-telangiectasia, complementation group D; AT, COMPLEMENTATION GROUP C; ATAXIA-TELANGIECTASIA, COMPLEMENTATION GROUP A; ATAXIA-TELANGIECTASIA, FRESNO VARIANT; Ataxia-telangiectasia; Ataxia-telangiectasia, complementation group E. Identifiers: Orphanet 100, MedGen C0004135, MONDO:0008840, OMIM 208900.

Submission:

Labcorp Genetics (formerly Invitae), Labcorp
Classification: Likely pathogenic for Ataxia-telangiectasia syndrome. Last evaluated: 2024-02-04. Review status: criteria provided, single submitter. Criteria: Invitae Variant Classification Sherloc (09022015). Collection method: clinical testing. Allele origin: germline.
Comment: This variant results in the deletion of part of exon 48 (c.7081_7089+2del) of the ATM gene. It is expected to disrupt RNA splicing. Variants that disrupt the donor or acceptor splice site typically lead to a loss of protein function (PMID: 16199547), and loss-of-function variants in ATM are known to be pathogenic (PMID: 23807571, 25614872). This variant is not present in population databases (gnomAD no frequency). This variant has not been reported in the literature in individuals affected with ATM-related conditions. In summary, the currently available evidence indicates that the variant is pathogenic, but additional data are needed to prove that conclusively. Therefore, this variant has been classified as Likely Pathogenic.

Literature cited by the submitters: PubMed 16199547; PubMed 23807571; PubMed 25614872.

NM_000051.4(ATM):c.7081_7089+2del

Genes: ATM (ATM serine/threonine kinase; plus strand), C11orf65 (chromosome 11 open reading frame 65; minus strand). Cytogenetic location: 11q22.3.
Variant type: Deletion.
Coding change: c.7081_7089+2del on transcript NM_000051.4 (MANE Select); coding-DNA position 7081 through the canonical splice donor site of the intron after coding-DNA position 7089, 11 bases deleted (CTAGAAAAGGT).
Molecular consequence: splice donor variant. On other transcripts: intron variant (2).
Genome position (GRCh38, 1-based): chr11:108,327,750-108,327,760, CTAGAAAAGGT deleted; deleting any 11 consecutive bases within chr11:108,327,749-108,327,760 gives the same sequence; the c. name uses the placement nearest the transcript's 3' end. VCF-style (leftmost placement, unchanged base first): chr11-108327748-ATCTAGAAAAGG-A. GRCh37 (hg19) VCF-style: chr11-108198475-ATCTAGAAAAGG-A.
Other names: c.7081_7089+2del (NM_001351834.2); c.641-18688_641-18678del (NM_001330368.2); c.*38+7461_*38+7471del (NM_001351110.2).
Identifiers: ClinVar variation 3638780 (VCV003638780.2).